The following is an entry in ClinVar:

NM_001369.3(DNAH5):c.11389C>T (p.Gln3797Ter)

Gene: DNAH5 (dynein axonemal heavy chain 5; minus strand). Cytogenetic location: 5p15.2.
Variant type: single nucleotide variant.
Coding change: c.11389C>T on transcript NM_001369.3 (MANE Select); coding-DNA position 11389, C replaced by T.
Protein change: p.Gln3797Ter; replaces glutamine 3797 with a stop codon.
Molecular consequence: nonsense.
Genome position (GRCh38, 1-based): chr5:13,737,318, G>A on the plus strand (C>T on the coding strand, the complement: DNAH5 is on the minus strand). VCF-style: chr5-13737318-G-A. GRCh37 (hg19) VCF-style: chr5-13737427-G-A.
Other names: short protein forms Q3797*.
Identifiers: ClinVar variation 2011819 (VCV002011819.5), dbSNP rs1467939954, ClinGen allele CA359226336.

ClinVar aggregate classification (germline): Pathogenic/Likely pathogenic. Review status: criteria provided, multiple submitters, no conflicts (2 of 4 stars). 2 submissions from 2 submitters: Pathogenic (1); Likely pathogenic (1). Last evaluated 2024-01-19.

Conditions:
Primary ciliary dyskinesia 3. Identifiers: Orphanet 244, MedGen C1837618, MONDO:0012085, OMIM 608644.
Primary ciliary dyskinesia. Also called: Ciliary dyskinesia. Identifiers: Orphanet 244, MedGen C0008780, MONDO:0016575, HP:0012265.

Submissions (2):

Fulgent Genetics
Classification: Likely pathogenic for Primary ciliary dyskinesia 3. Last evaluated: 2024-01-19. Review status: criteria provided, single submitter. Criteria: ACMG Guidelines, 2015. Collection method: clinical testing. Allele origin: germline.

Labcorp Genetics (formerly Invitae), Labcorp
Classification: Pathogenic for Primary ciliary dyskinesia. Last evaluated: 2022-06-28. Review status: criteria provided, single submitter. Criteria: Invitae Variant Classification Sherloc (09022015). Collection method: clinical testing. Allele origin: germline.
Comment: For these reasons, this variant has been classified as Pathogenic. This sequence change creates a premature translational stop signal (p.Gln3797*) in the DNAH5 gene. It is expected to result in an absent or disrupted protein product. Loss-of-function variants in DNAH5 are known to be pathogenic (PMID: 11788826, 16627867). This variant is not present in population databases (gnomAD no frequency). This variant has not been reported in the literature in individuals affected with DNAH5-related conditions.

Literature cited by the submitters: PubMed 11788826 (cited by Labcorp Genetics (formerly Invitae), Labcorp); PubMed 16627867 (cited by Labcorp Genetics (formerly Invitae), Labcorp).